The following is an entry in ClinVar:

ClinVar aggregate classification (germline): Pathogenic/Likely pathogenic. Review status: criteria provided, multiple submitters, no conflicts (2 of 4 stars). 2 submissions from 2 submitters: Pathogenic (1); Likely pathogenic (1). Last evaluated 2023-08-07.

Submissions (2):

Labcorp Genetics (formerly Invitae), Labcorp
Classification: Pathogenic. Last evaluated: 2023-08-07. Review status: criteria provided, single submitter. Criteria: Invitae Variant Classification Sherloc (09022015). Collection method: clinical testing. Allele origin: germline.
Comment: Advanced modeling of protein sequence and biophysical properties (such as structural, functional, and spatial information, amino acid conservation, physicochemical variation, residue mobility, and thermodynamic stability) performed at Invitae indicates that this missense variant is expected to disrupt COL4A5 protein function. ClinVar contains an entry for this variant (Variation ID: 1335788). This missense change has been observed in individuals with clinical features of COL4A5-related conditions (PMID: 9848783, 10094548, 23572034). This variant is not present in population databases (gnomAD no frequency). This sequence change replaces glycine, which is neutral and non-polar, with aspartic acid, which is acidic and polar, at codon 635 of the COL4A5 protein (p.Gly635Asp). For these reasons, this variant has been classified as Pathogenic. This variant disrupts the triple helix domain of COL4A5. Glycine residues within the Gly-Xaa-Yaa repeats of the triple helix domain are required for the structure and stability of fibrillar collagens (PMID: 7695699, 8218237, 19344236). In COL4A5, missense variants at these glycine residues are significantly enriched in individuals with disease (PMID: 23720012, 27627812) compared to the general population (ExAC).

CeGaT Center for Human Genetics Tuebingen
Classification: Likely pathogenic. Last evaluated: 2021-10-01. Review status: criteria provided, single submitter. Criteria: CeGaT Center For Human Genetics Tuebingen Variant Classification Criteria Version 2. Collection method: clinical testing. Allele origin: germline. Affected: yes. Observed: 1 variant allele.

Literature cited by the submitters: PubMed 9848783 (cited by Labcorp Genetics (formerly Invitae), Labcorp); PubMed 10094548 (cited by Labcorp Genetics (formerly Invitae), Labcorp); PubMed 23572034 (cited by Labcorp Genetics (formerly Invitae), Labcorp); PubMed 7695699 (cited by Labcorp Genetics (formerly Invitae), Labcorp); PubMed 8218237 (cited by Labcorp Genetics (formerly Invitae), Labcorp); PubMed 19344236 (cited by Labcorp Genetics (formerly Invitae), Labcorp); PubMed 23720012 (cited by Labcorp Genetics (formerly Invitae), Labcorp); PubMed 27627812 (cited by Labcorp Genetics (formerly Invitae), Labcorp).

NM_033380.3(COL4A5):c.1904G>A (p.Gly635Asp)

Gene: COL4A5 (collagen type IV alpha 5 chain; plus strand). Cytogenetic location: Xq22.3.
Variant type: single nucleotide variant.
Coding change: c.1904G>A on transcript NM_033380.3 (MANE Select); coding-DNA position 1904, G replaced by A.
Protein change: p.Gly635Asp; replaces glycine 635 with aspartic acid.
Molecular consequence: missense variant.
Genome position (GRCh38, 1-based): chrX:108,598,826, G>A. VCF-style: chrX-108598826-G-A. GRCh37 (hg19) VCF-style: chrX-107842056-G-A.
Other names: c.1904G>A, p.Gly635Asp (NM_000495.5); short protein forms G635D.
Identifiers: ClinVar variation 1335788 (VCV001335788.38), dbSNP rs281874683, ClinGen allele CA258571.